The following is an entry in ClinVar:

ClinVar aggregate classification (germline): Likely pathogenic (1 of 4 stars; one submission).

Conditions:
Vici syndrome (VICIS). Identifiers: Orphanet 1493, MedGen C1855772, MONDO:0009452, OMIM 242840.

gnomAD v4.1: 2 of 1,597,872 alleles (0.00013%); highest among the groups gnomAD compares: African/African-American, 0.0013%; no homozygotes.

Submission:

Department of Molecular Genetics, Istishari Arab Hospital
Classification: Likely pathogenic for Vici syndrome. Last evaluated: 2026-01-17. Review status: criteria provided, single submitter. Criteria: ACMG Guidelines, 2015. Collection method: clinical testing. Allele origin: germline. Inheritance: Autosomal recessive inheritance. Affected: yes.
Comment: The EPG5 variant c.4952+1G>T affects the canonical donor splice site and is predicted to disrupt normal protein function. The variant is observed at an extremely low frequency in the gnomAD v4.1.0 dataset (total allele frequency: <0.001%) and was not previously reported in the literature. It is classified as likely pathogenic according to the recommendations of ACMG/AMP/ClinGen SVI guidelines.

NM_020964.3(EPG5):c.4952+1G>T

Gene: EPG5 (ectopic P-granules 5 autophagy tethering factor; minus strand). Cytogenetic location: 18q12.3.
Variant type: single nucleotide variant.
Coding change: c.4952+1G>T on transcript NM_020964.3 (MANE Select); the canonical splice donor site of the intron after coding-DNA position 4952, G replaced by T.
Molecular consequence: splice donor variant.
Genome position (GRCh38, 1-based): chr18:45,889,797, C>A on the plus strand (G>T on the coding strand, the complement: EPG5 is on the minus strand). VCF-style: chr18-45889797-C-A. GRCh37 (hg19) VCF-style: chr18-43469762-C-A.
Other names: c.4952+1G>T (NM_001410858.1, NM_001410859.1).
Identifiers: ClinVar variation 4686083 (VCV004686083.1).
Genomic context (GRCh38, chr18:45,889,797, plus strand): 5'-GTATGATTACTATTCATGATAACAAAACAGTATTTCAAATTATAATGCCTGCAAAACTTA[C>A]GTGATCAAGTTTTCTGCATGTACAGCAGCTTCCACAATATTAAGTGATGGTGGTTTAGCA-3'